The following is an entry in ClinVar:

NM_015971.4(MRPS7):c.385G>A (p.Ala129Thr)

Gene: MRPS7 (mitochondrial ribosomal protein S7; plus strand). Cytogenetic location: 17q25.1.
Variant type: single nucleotide variant.
Coding change: c.385G>A on transcript NM_015971.4 (MANE Select); coding-DNA position 385, G replaced by A.
Protein change: p.Ala129Thr; replaces alanine 129 with threonine.
Molecular consequence: missense variant.
Genome position (GRCh38, 1-based): chr17:75,263,385, G>A. VCF-style: chr17-75263385-G-A. GRCh37 (hg19) VCF-style: chr17-73259466-G-A.
Other names: short protein forms A129T.
Identifiers: ClinVar variation 1899818 (VCV001899818.5), dbSNP rs766979108, ClinGen allele CA8760373.

ClinVar aggregate classification (germline): Uncertain significance (1 of 4 stars; one submission).

Allele frequency attached by ClinVar (database versions not stated): TOPMed below 0.00001; ExAC 0.00001.

Submission:

Labcorp Genetics (formerly Invitae), Labcorp
Classification: Uncertain significance. Last evaluated: 2025-10-23. Review status: criteria provided, single submitter. Criteria: Invitae Variant Classification Sherloc (09022015). Collection method: clinical testing. Allele origin: germline.
Comment: This sequence change replaces alanine, which is neutral and non-polar, with threonine, which is neutral and polar, at codon 129 of the MRPS7 protein (p.Ala129Thr). This variant is present in population databases (rs766979108, gnomAD 0.009%). This variant has not been reported in the literature in individuals affected with MRPS7-related conditions. ClinVar contains an entry for this variant (Variation ID: 1899818). An algorithm developed to predict the effect of missense changes on protein structure and function (PolyPhen-2) suggests that this variant is likely to be disruptive. In summary, the available evidence is currently insufficient to determine the role of this variant in disease. Therefore, it has been classified as a Variant of Uncertain Significance.